The following is an entry in ClinVar:

ClinVar aggregate classification (germline): Uncertain significance (1 of 4 stars; one submission).

Submission:

Labcorp Genetics (formerly Invitae), Labcorp
Classification: Uncertain significance. Last evaluated: 2021-11-30. Review status: criteria provided, single submitter. Criteria: Invitae Variant Classification Sherloc (09022015). Collection method: clinical testing. Allele origin: germline.
Comment: In summary, the available evidence is currently insufficient to determine the role of this variant in disease. Therefore, it has been classified as a Variant of Uncertain Significance. Algorithms developed to predict the effect of missense changes on protein structure and function output the following: SIFT: "Tolerated"; PolyPhen-2: "Benign"; Align-GVGD: "Class C0". The aspartic acid amino acid residue is found in multiple mammalian species, which suggests that this missense change does not adversely affect protein function. This variant has not been reported in the literature in individuals affected with RBP3-related conditions. This variant is not present in population databases (gnomAD no frequency). This sequence change replaces glutamic acid, which is acidic and polar, with aspartic acid, which is acidic and polar, at codon 419 of the RBP3 protein (p.Glu419Asp).

NM_002900.3(RBP3):c.1257G>C (p.Glu419Asp)

Gene: RBP3 (retinol binding protein 3; plus strand). Cytogenetic location: 10q11.22.
Variant type: single nucleotide variant.
Coding change: c.1257G>C on transcript NM_002900.3 (MANE Select); coding-DNA position 1257, G replaced by C.
Protein change: p.Glu419Asp; replaces glutamic acid 419 with aspartic acid.
Molecular consequence: missense variant.
Genome position (GRCh38, 1-based): chr10:47,349,741, G>C. VCF-style: chr10-47349741-G-C. GRCh37 (hg19) VCF-style: chr10-48389621-C-G.
Other names: short protein forms E419D.
Identifiers: ClinVar variation 1464038 (VCV001464038.6), dbSNP rs1555211182, ClinGen allele CA376669096.